The following is an entry in ClinVar:

NM_001005373.4(LRSAM1):c.1986del (p.Ala663fs)

Gene: LRSAM1 (leucine rich repeat and sterile alpha motif containing 1; plus strand). Cytogenetic location: 9q34.11.
Variant type: Deletion.
Coding change: c.1986del on transcript NM_001005373.4 (MANE Select); coding-DNA position 1986, one base deleted (C; older notation c.1986delC).
Protein change: p.Ala663fs; shifts the reading frame from alanine 663.
Molecular consequence: frameshift variant. On other transcripts: non-coding transcript variant (2).
Genome position (GRCh38, 1-based): chr9:127,501,083, C deleted; the last of 2 consecutive C bases (chr9:127,501,082-127,501,083); deleting either gives the same sequence. VCF-style (leftmost placement, unchanged base first): chr9-127501081-TC-T. GRCh37 (hg19) VCF-style: chr9-130263360-TC-T.
Other names: c.1986del, p.Ala663fs (NM_001005374.4, NM_001384142.1, NM_138361.5); c.1905del, p.Ala636fs (NM_001190723.3); c.1887del, p.Ala630fs (NM_001384143.1); c.1197del, p.Ala400fs (NM_001384144.1); short protein forms A636fs, A663fs, A630fs, A400fs.
Identifiers: ClinVar variation 4729486 (VCV004729486.1).

ClinVar aggregate classification (germline): Likely pathogenic (1 of 4 stars; one submission).

Conditions:
Charcot-Marie-Tooth disease axonal type 2P. Also called: CHARCOT-MARIE-TOOTH NEUROPATHY, TYPE 2P; Charcot-Marie-Tooth Neuropathy Type 2G; CHARCOT-MARIE-TOOTH DISEASE, AXONAL, TYPE 2G; CMT 2G. Identifiers: Orphanet 300319, Orphanet 99941, MedGen C3280797, MONDO:0013753, OMIM 614436.

Submission:

Labcorp Genetics (formerly Invitae), Labcorp
Classification: Likely pathogenic for Charcot-Marie-Tooth disease axonal type 2P. Last evaluated: 2025-10-19. Review status: criteria provided, single submitter. Criteria: Invitae Variant Classification Sherloc (09022015). Collection method: clinical testing. Allele origin: germline.
Comment: This sequence change creates a premature translational stop signal (p.Ala663Leufs*23) in the LRSAM1 gene. While this is not anticipated to result in nonsense mediated decay, it is expected to disrupt the last 61 amino acid(s) of the LRSAM1 protein. This variant is not present in population databases (gnomAD no frequency). This variant has not been reported in the literature in individuals affected with LRSAM1-related conditions. This protein change is located in a region of the LRSAM1 protein where a significant number of LRSAM1 nonsense and frameshift mutations have been reported in autosomal dominant Charcot-Marie-Tooth disease (PMID: 33414056, 31211173, 29341362). In summary, the currently available evidence indicates that the variant is pathogenic, but additional data are needed to prove that conclusively. Therefore, this variant has been classified as Likely Pathogenic.

Literature cited by the submitters: PubMed 33414056; PubMed 31211173; PubMed 29341362.